The following is an entry in ClinVar:

NM_004260.4(RECQL4):c.2485C>T (p.Arg829Cys)

Gene: RECQL4 (RecQ like helicase 4; minus strand). Cytogenetic location: 8q24.3.
Variant type: single nucleotide variant.
Coding change: c.2485C>T on transcript NM_004260.4 (MANE Select); coding-DNA position 2485, C replaced by T.
Protein change: p.Arg829Cys; replaces arginine 829 with cysteine.
Molecular consequence: missense variant.
Genome position (GRCh38, 1-based): chr8:144,513,117, G>A on the plus strand (C>T on the coding strand, the complement: RECQL4 is on the minus strand). VCF-style: chr8-144513117-G-A. GRCh37 (hg19) VCF-style: chr8-145738500-G-A.
Other names: short protein forms R829C.
Identifiers: ClinVar variation 528995 (VCV000528995.10), dbSNP rs1470516114, ClinGen allele CA372677523.

ClinVar aggregate classification (germline): Uncertain significance. Review status: criteria provided, multiple submitters, no conflicts (2 of 4 stars). 2 submissions from 2 submitters: Uncertain significance (2). Last evaluated 2026-05-29.

Conditions:
Baller-Gerold syndrome (BGS). Also called: CRANIOSYNOSTOSIS WITH RADIAL DEFECTS. Identifiers: Orphanet 1225, MedGen C0265308, MONDO:0009039, OMIM 218600.

Allele frequency attached by ClinVar (database versions not stated): gnomAD exomes 0.00001 and 0.00002; gnomAD 0.00005 and 0.00006; TOPMed 0.00005.
gnomAD v4.1: 22 of 1,558,426 alleles (0.0014%); highest among the groups gnomAD compares: African/African-American, 0.0096%; no homozygotes.

Submissions (2):

GeneDx
Classification: Uncertain significance. Last evaluated: 2026-05-29. Review status: criteria provided, single submitter. Criteria: GeneDx Variant Classification Process June 2021. Collection method: clinical testing. Allele origin: germline.
Comment: In silico analysis supports that this missense variant has a deleterious effect on protein structure/function; Has not been previously published as pathogenic or benign to our knowledge

Labcorp Genetics (formerly Invitae), Labcorp
Classification: Uncertain significance for Baller-Gerold syndrome. Last evaluated: 2025-07-31. Review status: criteria provided, single submitter. Criteria: Invitae Variant Classification Sherloc (09022015). Collection method: clinical testing. Allele origin: germline.
Comment: This sequence change replaces arginine, which is basic and polar, with cysteine, which is neutral and slightly polar, at codon 829 of the RECQL4 protein (p.Arg829Cys). The frequency data for this variant in the population databases is considered unreliable, as metrics indicate poor data quality at this position in the gnomAD database. This variant has not been reported in the literature in individuals affected with RECQL4-related conditions. ClinVar contains an entry for this variant (Variation ID: 528995). Invitae Evidence Modeling of protein sequence and biophysical properties (such as structural, functional, and spatial information, amino acid conservation, physicochemical variation, residue mobility, and thermodynamic stability) indicates that this missense variant is not expected to disrupt RECQL4 protein function with a negative predictive value of 80%. In summary, the available evidence is currently insufficient to determine the role of this variant in disease. Therefore, it has been classified as a Variant of Uncertain Significance.